The following is an entry in ClinVar:

NM_001302998.2(LIPI):c.578C>T (p.Pro193Leu)

Gene: LIPI (lipase I; minus strand). Cytogenetic location: 21q11.2.
Variant type: single nucleotide variant.
Coding change: c.578C>T on transcript NM_001302998.2 (MANE Select); coding-DNA position 578, C replaced by T.
Protein change: p.Pro193Leu; replaces proline 193 with leucine.
Molecular consequence: missense variant.
Genome position (GRCh38, 1-based): chr21:14,181,823, G>A on the plus strand (C>T on the coding strand, the complement: LIPI is on the minus strand). VCF-style: chr21-14181823-G-A. GRCh37 (hg19) VCF-style: chr21-15554144-G-A.
Other names: c.578C>T, p.Pro193Leu (NM_001302999.2, NM_001303000.2, NM_001303001.2 and 1 more transcripts); c.83C>T, p.Pro28Leu (NM_001379566.1); c.443C>T, p.Pro148Leu (NM_198996.4); short protein forms P193L, P148L, P28L.
Identifiers: ClinVar variation 3867342 (VCV003867342.2).
Genomic context (GRCh38, chr21:14,181,823, plus strand): 5'-GAGTCAGAATGGATGACATCCACAAACTTTGCATCCGTGTAATCTAATCTGCTATATGGT[G>A]GTTTTCTGGAGAACCTTGGCCCAGCAGGGTCAAGACCTGGAAAGCAAGAAAGAAATAATC-3'
Protein context (NP_001289927.1, residues 183-203): DPAGPRFSRK[Pro193Leu]PYSRLDYTDA

ClinVar aggregate classification (germline): Uncertain significance. Review status: criteria provided, multiple submitters, no conflicts (2 of 4 stars). 2 submissions from 2 submitters: Uncertain significance (2). Last evaluated 2025-10-01.

gnomAD v4.1: 13 of 1,612,390 alleles (0.00081%); highest among the groups gnomAD compares: Admixed American, 0.005%; no homozygotes.

Submissions (2):

Labcorp Genetics (formerly Invitae), Labcorp
Classification: Uncertain significance. Last evaluated: 2025-10-01. Review status: criteria provided, single submitter. Criteria: Invitae Variant Classification Sherloc (09022015). Collection method: clinical testing. Allele origin: germline.
Comment: This sequence change replaces proline, which is neutral and non-polar, with leucine, which is neutral and non-polar, at codon 214 of the LIPI protein (p.Pro214Leu). This variant is present in population databases (rs763651191, gnomAD 0.009%). This variant has not been reported in the literature in individuals affected with LIPI-related conditions. ClinVar contains an entry for this variant (Variation ID: 3867342). An algorithm developed to predict the effect of missense changes on protein structure and function (PolyPhen-2) suggests that this variant is likely to be disruptive. In summary, the available evidence is currently insufficient to determine the role of this variant in disease. Therefore, it has been classified as a Variant of Uncertain Significance.

Ambry Genetics
Classification: Uncertain significance. Last evaluated: 2025-01-18. Review status: criteria provided, single submitter. Criteria: Ambry Variant Classification Scheme 2023. Collection method: clinical testing. Allele origin: germline.